The following is an entry in ClinVar:

NR_003137.3(RNU4-2):n.3C>T

Genes: RNU4-2 (RNA, U4 small nuclear 2; minus strand), SIRT4 (sirtuin 4; plus strand). Cytogenetic location: 12q24.23.
Variant type: single nucleotide variant.
Molecular consequence: non-coding transcript variant (on NR_003137.3).
Genome position: GRCh38 VCF-style: chr12-120291901-G-A. GRCh37 (hg19) VCF-style: chr12-120729704-G-A.
Identifiers: ClinVar variation 4795805 (VCV004795805.1).

ClinVar aggregate classification (germline): Uncertain significance (1 of 4 stars; one submission).

Conditions:
Neurodevelopmental disorder with hypotonia, brain anomalies, distinctive facies, and absent language. Also called: ReNU SYNDROME; RNU4-2-Related Neurodevelopmental Disorder; RNU4-2–Related Autosomal Dominant Neurodevelopmental Disorder. Identifiers: Orphanet 686488, MedGen C5935628, MONDO:0971172, OMIM 620851.

Submission:

Centre for Population Genomics, CPG
Classification: Uncertain significance for RNU4-2-Related Neurodevelopmental Disorder. Last evaluated: 2026-02-11. Review status: criteria provided, single submitter. Criteria: Ellingford et al. (Genome Med. 2022). Collection method: research. Allele origin: germline. Inheritance: Autosomal recessive inheritance. Affected: yes. Observed: 1 variant allele, 1 compound heterozygote.
Comment: PM2_supp,PM1,PM3